The following is an entry in ClinVar:

NM_000059.4(BRCA2):c.6827C>T (p.Pro2276Leu)

Gene: BRCA2 (BRCA2 DNA repair associated; plus strand). Cytogenetic location: 13q13.1.
Variant type: single nucleotide variant.
Coding change: c.6827C>T on transcript NM_000059.4 (MANE Select); coding-DNA position 6827, C replaced by T.
Protein change: p.Pro2276Leu; replaces proline 2276 with leucine.
Molecular consequence: missense variant.
Genome position (GRCh38, 1-based): chr13:32,341,182, C>T. VCF-style: chr13-32341182-C-T. GRCh37 (hg19) VCF-style: chr13-32915319-C-T.
Other names: c.6827C>T (NM_000059.3); short protein forms P2276L.
Identifiers: ClinVar variation 1037254 (VCV001037254.11), dbSNP rs748541466, ClinGen allele CA247514700.
Genomic context (GRCh38, chr13:32,341,182, plus strand): 5'-GTCCCGAAAATGAGGAAATGGTTTTGTCAAATTCAAGAATTGGAAAAAGAAGAGGAGAGC[C>T]CCTTATCTTAGTGGGTAAGTGTTCATTTTTACCTTTCGTGTTGCCAATCACTATTTTTAA-3'
Protein context (NP_000050.3, residues 2266-2286): NSRIGKRRGE[Pro2276Leu]LILVGEPSIK

ClinVar aggregate classification (germline): Conflicting classifications of pathogenicity. Review status: criteria provided, conflicting classifications (1 of 4 stars). 3 submissions from 3 submitters: Uncertain significance (2); Likely benign (1). Last evaluated 2026-06-29.

Conditions:
Hereditary cancer-predisposing syndrome. Also called: Tumor predisposition; Hereditary Cancer Syndrome; Hereditary neoplastic syndrome; Neoplastic Syndromes, Hereditary. Identifiers: Orphanet 140162, MedGen C0027672, MeSH D009386, MONDO:0015356.
Hereditary breast ovarian cancer syndrome. Also called: Hereditary breast and/or ovarian cancer syndrome; Hereditary breast and ovarian cancer syndrome; BRCA1- and BRCA2-Associated Hereditary Breast and Ovarian Cancer; Breast and ovarian cancer; Hereditary breast and ovarian cancer; Hereditary breast and ovarian cancer syndrome (HBOC). Identifiers: Orphanet 145, MedGen C0677776, MeSH D061325, MONDO:0003582. Disease mechanism: loss of function.

Submissions (3):

Ambry Genetics
Classification: Uncertain significance for Hereditary cancer-predisposing syndrome. Last evaluated: 2026-06-29. Review status: criteria provided, single submitter. Criteria: Ambry Variant Classification Scheme 2023. Collection method: clinical testing. Allele origin: germline.
Comment: The p.P2276L variant (also known as c.6827C>T), located in coding exon 10 of the BRCA2 gene, results from a C to T substitution at nucleotide position 6827. The proline at codon 2276 is replaced by leucine, an amino acid with similar properties. This amino acid position is not well conserved in available vertebrate species. In addition, this alteration is predicted to be tolerated by in silico analysis. Based on the available evidence, the clinical significance of this variant remains unclear.

University of Washington Department of Laboratory Medicine, University of Washington
Classification: Likely benign for Hereditary cancer-predisposing syndrome. Last evaluated: 2023-03-23. Review status: criteria provided, single submitter. Criteria: Dines et al. (Genet Med. 2020). Collection method: curation. Allele origin: germline.
Comment: Missense variant in a coldspot region where missense variants are very unlikely to be pathogenic (PMID:31911673).

BRCA2 exon 11 coldspot. Reclassification based on statistical prior probability.

Labcorp Genetics (formerly Invitae), Labcorp
Classification: Uncertain significance for Hereditary breast ovarian cancer syndrome. Last evaluated: 2020-06-30. Review status: criteria provided, single submitter. Criteria: Invitae Variant Classification Sherloc (09022015). Collection method: clinical testing. Allele origin: germline.
Comment: In summary, the available evidence is currently insufficient to determine the role of this variant in disease. Therefore, it has been classified as a Variant of Uncertain Significance. Algorithms developed to predict the effect of missense changes on protein structure and function (SIFT, PolyPhen-2, Align-GVGD) all suggest that this variant is likely to be tolerated, but these predictions have not been confirmed by published functional studies and their clinical significance is uncertain. This variant has not been reported in the literature in individuals with BRCA2-related conditions. This variant is not present in population databases (ExAC no frequency). This sequence change replaces proline with leucine at codon 2276 of the BRCA2 protein (p.Pro2276Leu). The proline residue is weakly conserved and there is a moderate physicochemical difference between proline and leucine.